The following is an entry in ClinVar:

NM_001145358.2(SIN3A):c.2945del (p.Ser982fs)

Gene: SIN3A (SIN3 transcription regulator family member A; minus strand). Cytogenetic location: 15q24.2.
Variant type: Deletion.
Coding change: c.2945del on transcript NM_001145358.2 (MANE Select); coding-DNA position 2945, one base deleted (C; older notation c.2945delC).
Protein change: p.Ser982fs; shifts the reading frame from serine 982.
Molecular consequence: frameshift variant.
Genome position (GRCh38, 1-based): chr15:75,389,728, G deleted on the plus strand (C on the coding strand, the reverse complement: SIN3A is on the minus strand). VCF-style (leftmost placement, unchanged base first): chr15-75389727-TG-T. GRCh37 (hg19) VCF-style: chr15-75682068-TG-T.
Other names: c.2945del, p.Ser982fs (NM_001145357.2, NM_001437462.1, NM_001437463.1 and 1 more transcripts); short protein forms S982fs.
Identifiers: ClinVar variation 4715568 (VCV004715568.1).

ClinVar aggregate classification (germline): Pathogenic (1 of 4 stars; one submission).

Submission:

Labcorp Genetics (formerly Invitae), Labcorp
Classification: Pathogenic. Last evaluated: 2025-03-20. Review status: criteria provided, single submitter. Criteria: Invitae Variant Classification Sherloc (09022015). Collection method: clinical testing. Allele origin: germline.
Comment: This sequence change creates a premature translational stop signal (p.Ser982Tyrfs*2) in the SIN3A gene. It is expected to result in an absent or disrupted protein product. Loss-of-function variants in SIN3A are known to be pathogenic (PMID: 27399968). This variant is not present in population databases (gnomAD no frequency). This variant has not been reported in the literature in individuals affected with SIN3A-related conditions. For these reasons, this variant has been classified as Pathogenic.

Literature cited by the submitters: PubMed 27399968.